The following is an entry in ClinVar:

NM_032608.7(MYO18B):c.4131del (p.Ala1378fs)

Gene: MYO18B (myosin XVIIIB; plus strand). Cytogenetic location: 22q12.1.
Variant type: Deletion.
Coding change: c.4131del on transcript NM_032608.7 (MANE Select); coding-DNA position 4131, one base deleted (C; older notation c.4131delC).
Protein change: p.Ala1378fs; shifts the reading frame from alanine 1378.
Molecular consequence: frameshift variant.
Genome position (GRCh38, 1-based): chr22:25,876,239, C deleted. VCF-style (leftmost placement, unchanged base first): chr22-25876238-TC-T. GRCh37 (hg19) VCF-style: chr22-26272205-TC-T.
Other names: c.4134del, p.Ala1379fs (NM_001318245.2); short protein forms A1378fs, A1379fs.
Identifiers: ClinVar variation 2877434 (VCV002877434.3), dbSNP rs2517716669, ClinGen allele CA2655872648.

ClinVar aggregate classification (germline): Pathogenic (1 of 4 stars; one submission).

Allele frequency attached by ClinVar (database versions not stated): gnomAD exomes below 0.00001.

Submission:

Labcorp Genetics (formerly Invitae), Labcorp
Classification: Pathogenic. Last evaluated: 2023-07-16. Review status: criteria provided, single submitter. Criteria: Invitae Variant Classification Sherloc (09022015). Collection method: clinical testing. Allele origin: germline.
Comment: This sequence change creates a premature translational stop signal (p.Ala1378Glnfs*37) in the MYO18B gene. It is expected to result in an absent or disrupted protein product. Loss-of-function variants in MYO18B are known to be pathogenic (PMID: 25748484, 32184166, 32637634). This variant is not present in population databases (gnomAD no frequency). This variant has not been reported in the literature in individuals affected with MYO18B-related conditions. For these reasons, this variant has been classified as Pathogenic.

Literature cited by the submitters: PubMed 25748484; PubMed 32184166; PubMed 32637634.